The following is an entry in ClinVar:

ClinVar aggregate classification (germline): Uncertain significance (0 of 4 stars; one submission).

Conditions:
IFT140-related disorder. Also called: IFT140-related condition.

Submission:

PreventionGenetics, part of Exact Sciences
Classification: Uncertain significance for IFT140-related condition. Last evaluated: 2024-07-17. Review status: no assertion criteria provided. Collection method: clinical testing. Allele origin: germline.
Comment: The IFT140 c.649G>T variant is predicted to result in the amino acid substitution p.Val217Leu. To our knowledge, this variant has not been reported in the literature. This variant is reported in 0.012% of alleles in individuals of African descent in gnomAD. At this time, the clinical significance of this variant is uncertain due to the absence of conclusive functional and genetic evidence.

NM_014714.4(IFT140):c.649G>T (p.Val217Leu)

Genes: IFT140 (intraflagellar transport 140; minus strand), LOC105371046 (uncharacterized LOC105371046; plus strand). Cytogenetic location: 16p13.3.
Variant type: single nucleotide variant.
Coding change: c.649G>T on transcript NM_014714.4 (MANE Select); coding-DNA position 649, G replaced by T.
Protein change: p.Val217Leu; replaces valine 217 with leucine.
Molecular consequence: missense variant.
Genome position (GRCh38, 1-based): chr16:1,589,766, C>A on the plus strand (G>T on the coding strand, the complement: IFT140 is on the minus strand). VCF-style: chr16-1589766-C-A. GRCh37 (hg19) VCF-style: chr16-1639767-C-A.
Other names: short protein forms V217L.
Identifiers: ClinVar variation 3349012 (VCV003349012.1).